The following is an entry in ClinVar:

ClinVar aggregate classification (germline): Uncertain significance (1 of 4 stars; one submission).

Submission:

Labcorp Genetics (formerly Invitae), Labcorp
Classification: Uncertain significance. Last evaluated: 2024-05-11. Review status: criteria provided, single submitter. Criteria: Invitae Variant Classification Sherloc (09022015). Collection method: clinical testing. Allele origin: germline.
Comment: This sequence change replaces valine, which is neutral and non-polar, with methionine, which is neutral and non-polar, at codon 481 of the TRPV6 protein (p.Val481Met). This variant is present in population databases (rs377252189, gnomAD 0.008%). This variant has not been reported in the literature in individuals affected with TRPV6-related conditions. Experimental studies and prediction algorithms are not available or were not evaluated, and the functional significance of this variant is currently unknown. In summary, the available evidence is currently insufficient to determine the role of this variant in disease. Therefore, it has been classified as a Variant of Uncertain Significance.

NM_018646.6(TRPV6):c.1441G>A (p.Val481Met)

Gene: TRPV6 (transient receptor potential cation channel subfamily V member 6; minus strand). Cytogenetic location: 7q34.
Variant type: single nucleotide variant.
Coding change: c.1441G>A on transcript NM_018646.6 (MANE Select); coding-DNA position 1441, G replaced by A.
Protein change: p.Val481Met; replaces valine 481 with methionine.
Molecular consequence: missense variant.
Genome position (GRCh38, 1-based): chr7:142,874,622, C>T on the plus strand (G>A on the coding strand, the complement: TRPV6 is on the minus strand). VCF-style: chr7-142874622-C-T. GRCh37 (hg19) VCF-style: chr7-142572375-C-T.
Other names: short protein forms V481M.
Identifiers: ClinVar variation 3614778 (VCV003614778.2).
Genomic context (GRCh38, chr7:142,874,622, plus strand): 5'-CCAGCACGAGTGCAAAGGACATGGGTACCACCTCCCCGCTGGCACTGATGAGCCGCATCA[C>T]CATGGTCACCAGCACCATGAAGGCATAGGTGATGCTGGGGGAGCAGGGAGGAGGGTGATG-3'
Protein context (NP_061116.5, residues 471-491): TYAFMVLVTM[Val481Met]MRLISASGEV